The following is an entry in ClinVar:

NM_004204.5(PIGQ):c.1015G>A (p.Ala339Thr)

Gene: PIGQ (phosphatidylinositol glycan anchor biosynthesis class Q; plus strand). Cytogenetic location: 16p13.3.
Variant type: single nucleotide variant.
Coding change: c.1015G>A on transcript NM_004204.5 (MANE Select); coding-DNA position 1015, G replaced by A.
Protein change: p.Ala339Thr; replaces alanine 339 with threonine.
Molecular consequence: missense variant.
Genome position (GRCh38, 1-based): chr16:578,451, G>A. VCF-style: chr16-578451-G-A. GRCh37 (hg19) VCF-style: chr16-628451-G-A.
Other names: c.1015G>A, p.Ala339Thr (NM_148920.4); short protein forms A339T.
Identifiers: ClinVar variation 1960302 (VCV001960302.5), dbSNP rs967441461, ClinGen allele CA276485581.

ClinVar aggregate classification (germline): Uncertain significance (1 of 4 stars; one submission).

Conditions:
Epilepsy. Also called: Seizure disorder. Identifiers: MedGen C0014544, MeSH D004827, MONDO:0005027.

Allele frequency attached by ClinVar (database versions not stated): gnomAD exomes below 0.00001; TOPMed below 0.00001; gnomAD 0.00001.

Submission:

Labcorp Genetics (formerly Invitae), Labcorp
Classification: Uncertain significance for Epilepsy. Last evaluated: 2021-12-14. Review status: criteria provided, single submitter. Criteria: Invitae Variant Classification Sherloc (09022015). Collection method: clinical testing. Allele origin: germline.
Comment: This sequence change replaces alanine, which is neutral and non-polar, with threonine, which is neutral and polar, at codon 339 of the PIGQ protein (p.Ala339Thr). This variant is present in population databases (no rsID available, gnomAD 0.0009%). In summary, the available evidence is currently insufficient to determine the role of this variant in disease. Therefore, it has been classified as a Variant of Uncertain Significance. Algorithms developed to predict the effect of missense changes on protein structure and function are either unavailable or do not agree on the potential impact of this missense change (SIFT: "Tolerated"; PolyPhen-2: "Possibly Damaging"; Align-GVGD: "Class C0"). This variant has not been reported in the literature in individuals affected with PIGQ-related conditions.